The following is an entry in ClinVar:

NM_000257.4(MYH7):c.4558G>A (p.Gly1520Arg)

Genes: MHRT (myosin heavy chain associated RNA transcript; plus strand), MYH7 (myosin heavy chain 7; minus strand). Cytogenetic location: 14q11.2.
Variant type: single nucleotide variant.
Coding change: c.4558G>A on transcript NM_000257.4 (MANE Select); coding-DNA position 4558, G replaced by A.
Protein change: p.Gly1520Arg; replaces glycine 1520 with arginine.
Molecular consequence: missense variant. On other transcripts: non-coding transcript variant (1).
Genome position (GRCh38, 1-based): chr14:23,416,954, C>T on the plus strand (G>A on the coding strand, the complement: MYH7 is on the minus strand). VCF-style: chr14-23416954-C-T. GRCh37 (hg19) VCF-style: chr14-23886163-C-T.
Other names: c.4558G>A (NM_000257.2); short protein forms G1520R.
Identifiers: ClinVar variation 407178 (VCV000407178.16), dbSNP rs763683589, ClinGen allele CA042899.

ClinVar aggregate classification (germline): Uncertain significance. Review status: criteria provided, multiple submitters, no conflicts (2 of 4 stars). 5 submissions from 5 submitters: Uncertain significance (5). Last evaluated 2026-05-08.

Conditions:
Cardiovascular phenotype. Identifiers: MedGen CN230736.
Cardiomyopathy (CMYO). Also called: Cardiomyopathies. Identifiers: Orphanet 167848, MedGen C0878544, MONDO:0004994, HP:0001638. Inheritance: Various modes of inheritance.
Hypertrophic cardiomyopathy. Also called: HYPERTROPHIC MYOCARDIOPATHY. Identifiers: Orphanet 217569, MedGen C0007194, MeSH D002312, MONDO:0005045, HP:0001639.

Allele frequency attached by ClinVar (database versions not stated): TOPMed 0.00001; gnomAD 0.00002; gnomAD exomes 0.00001; ExAC 0.00001.
gnomAD v4.1: 13 of 1,614,132 alleles (0.00081%); highest among the groups gnomAD compares: African/African-American, 0.0027%; no homozygotes.

Submissions (5):

GeneDx
Classification: Uncertain significance. Last evaluated: 2026-05-08. Review status: criteria provided, single submitter. Criteria: GeneDx Variant Classification Process June 2021. Collection method: clinical testing. Allele origin: germline.
Comment: Identified in a patient with Brugada syndrome and a patient with DCM in published literature (PMID: 26220970, 35284542); Not observed at significant frequency in large population cohorts (gnomAD); In silico analysis supports that this missense variant has a deleterious effect on protein structure/function; This variant is associated with the following publications: (PMID: 26220970, 35284542, 21310275)

Color Diagnostics, LLC DBA Color Health
Classification: Uncertain significance for Cardiomyopathy. Last evaluated: 2025-12-11. Review status: criteria provided, single submitter. Criteria: ACMG Guidelines, 2015. Collection method: clinical testing. Allele origin: germline.
Comment: This missense variant replaces glycine with arginine at codon 1520 of the MYH7 protein. Computational prediction suggests that this variant may not impact protein structure and function. To our knowledge, functional studies have not been reported for this variant. This variant has been reported in an individual affected with dilated cardiomyopathy (PMID: 35284542). This variant has been identified in 13/1614132 chromosomes in the general population by the Genome Aggregation Database (gnomAD). The available evidence is insufficient to determine the role of this variant in disease conclusively. Therefore, this variant is classified as a Variant of Uncertain Significance.

Ambry Genetics
Classification: Uncertain significance for Cardiovascular phenotype. Last evaluated: 2025-05-03. Review status: criteria provided, single submitter. Criteria: Ambry Variant Classification Scheme 2023. Collection method: clinical testing. Allele origin: germline.
Comment: The p.G1520R variant (also known as c.4558G>A), located in coding exon 31 of the MYH7 gene, results from a G to A substitution at nucleotide position 4558. The glycine at codon 1520 is replaced by arginine, an amino acid with dissimilar properties. This variant has been reported in a Brugada syndrome cohort and a dilated cardiomyopathy (DCM) cohort (Di Resta C et al. Hum Mol Genet, 2015 Oct;24:5828-35; Shen C et al. Ann Transl Med, 2022 Feb;10:129). This amino acid position is well conserved in available vertebrate species. In addition, the in silico prediction for this alteration is inconclusive. Based on the available evidence, the clinical significance of this variant remains unclear.

Labcorp Genetics (formerly Invitae), Labcorp
Classification: Uncertain significance for Hypertrophic cardiomyopathy. Last evaluated: 2024-12-08. Review status: criteria provided, single submitter. Criteria: Invitae Variant Classification Sherloc (09022015). Collection method: clinical testing. Allele origin: germline.
Comment: This sequence change replaces glycine, which is neutral and non-polar, with arginine, which is basic and polar, at codon 1520 of the MYH7 protein (p.Gly1520Arg). This variant is present in population databases (rs763683589, gnomAD 0.0009%). This missense change has been observed in individual(s) with Brugada syndrome (PMID: 26220970). ClinVar contains an entry for this variant (Variation ID: 407178). An algorithm developed specifically for the MYH7 gene suggests that this missense change is likely to be deleterious (PMID: 21310275). In summary, the available evidence is currently insufficient to determine the role of this variant in disease. Therefore, it has been classified as a Variant of Uncertain Significance.

Revvity Omics, Revvity
Classification: Uncertain significance. Last evaluated: 2023-06-29. Review status: criteria provided, single submitter. Criteria: ACMG Guidelines, 2015. Collection method: clinical testing. Allele origin: germline.

Literature cited by the submitters: PubMed 35284542 (cited by Color Diagnostics, LLC DBA Color Health and Ambry Genetics); PubMed 26220970 (cited by Ambry Genetics and Labcorp Genetics (formerly Invitae), Labcorp); PubMed 21310275 (cited by Labcorp Genetics (formerly Invitae), Labcorp).